The following is an entry in ClinVar:

NM_194248.3(OTOF):c.1930G>A (p.Val644Ile)

Gene: OTOF (otoferlin; minus strand). Cytogenetic location: 2p23.3.
Variant type: single nucleotide variant.
Coding change: c.1930G>A on transcript NM_194248.3 (MANE Select); coding-DNA position 1930, G replaced by A.
Protein change: p.Val644Ile; replaces valine 644 with isoleucine.
Molecular consequence: missense variant.
Genome position (GRCh38, 1-based): chr2:26,479,636, C>T on the plus strand (G>A on the coding strand, the complement: OTOF is on the minus strand). VCF-style: chr2-26479636-C-T. GRCh37 (hg19) VCF-style: chr2-26702504-C-T.
Other names: c.1930G>A, p.Val644Ile (NM_001287489.2); short protein forms V644I.
Identifiers: ClinVar variation 179822 (VCV000179822.7), dbSNP rs727505153, ClinGen allele CA185212.

ClinVar aggregate classification (germline): Uncertain significance. Review status: criteria provided, multiple submitters, no conflicts (2 of 4 stars). 2 submissions from 2 submitters: Uncertain significance (2). Last evaluated 2023-09-25.

Allele frequency attached by ClinVar (database versions not stated): gnomAD exomes below 0.00001 and 0.00001; TOPMed below 0.00001; ExAC 0.00001; gnomAD 0.00001.
gnomAD v4.1: 8 of 1,612,504 alleles (0.0005%); highest among the groups gnomAD compares: Non-Finnish European, 0.00068%; no homozygotes.

Submissions (2):

GeneDx
Classification: Uncertain significance. Last evaluated: 2023-09-25. Review status: criteria provided, single submitter. Criteria: GeneDx Variant Classification Process June 2021. Collection method: clinical testing. Allele origin: germline. Affected: yes.
Comment: Not observed at significant frequency in large population cohorts (gnomAD); In silico analysis supports that this missense variant does not alter protein structure/function; In silico analysis suggests this variant may impact gene splicing. In the absence of RNA/functional studies, the actual effect of this sequence change is unknown.; Has not been previously published as pathogenic or benign to our knowledge

Laboratory for Molecular Medicine, Mass General Brigham Personalized Medicine
Classification: Uncertain significance. Last evaluated: 2021-08-12. Review status: criteria provided, single submitter. Criteria: ACMG Guidelines, 2015. Collection method: clinical testing. Allele origin: germline.
Comment: The Val644Ile variant in OTOF has not been previously reported in individuals with hearing loss but has been identified in 0.0015% (2/127688) of European chromosomes by gnomAD. Valine (Val) at position 644 is not conserved in mammals or evolutionarily distant species and 1 mammal (Baboon) and many distant species carry an isoleucine (Ile) at this position, supporting that this change may be tolerated. Additional computational prediction tools suggest that this variant may not impact the protein. In summary, while the clinical significance of the Val644Ile variant is uncertain, these data suggest that it is more likely to be benign. ACMG/AMP Criteria applied: PM2_P, BP4.